The following is an entry in ClinVar:

NM_000051.4(ATM):c.5464G>A (p.Glu1822Lys)

Gene: ATM (ATM serine/threonine kinase; plus strand). Cytogenetic location: 11q22.3.
Variant type: single nucleotide variant.
Coding change: c.5464G>A on transcript NM_000051.4 (MANE Select); coding-DNA position 5464, G replaced by A.
Protein change: p.Glu1822Lys; replaces glutamic acid 1822 with lysine.
Molecular consequence: missense variant.
Genome position (GRCh38, 1-based): chr11:108,302,997, G>A. VCF-style: chr11-108302997-G-A. GRCh37 (hg19) VCF-style: chr11-108173724-G-A.
Other names: c.5464G>A, p.Glu1822Lys (NM_001351834.2); short protein forms E1822K.
Identifiers: ClinVar variation 652500 (VCV000652500.8), dbSNP rs1591712872, ClinGen allele CA382544348.
Genomic context (GRCh38, chr11:108,302,997, plus strand): 5'-CATGACATTTGGATAAAGACACTGACTTGTGCTTTTTTGGACAGTGGAGGCACAAAATGT[G>A]AAATTCTTCAATTATTAAAGCCAATGTGTGAAGTAAGAAGATTAATTAGTCTGATATAAT-3'
Protein context (NP_000042.3, residues 1812-1832): AFLDSGGTKC[Glu1822Lys]ILQLLKPMCE

ClinVar aggregate classification (germline): Uncertain significance (1 of 4 stars; one submission).

Conditions:
Ataxia-telangiectasia syndrome (AT). Also called: ATAXIA-TELANGIECTASIA, FRESNO VARIANT; Ataxia-telangiectasia, complementation group E; Ataxia telangiectasia (A-T); Cerebello-oculocutaneous telangiectasia; Immunodeficiency with ataxia telangiectasia; LOUIS-BAR SYNDROME. Identifiers: Orphanet 100, MedGen C0004135, MONDO:0008840, OMIM 208900.

gnomAD v4.1: 1 of 1,613,268 alleles (0.000062%); no homozygotes.

Submission:

Labcorp Genetics (formerly Invitae), Labcorp
Classification: Uncertain significance for Ataxia-telangiectasia syndrome. Last evaluated: 2018-10-16. Review status: criteria provided, single submitter. Criteria: Invitae Variant Classification Sherloc (09022015). Collection method: clinical testing. Allele origin: germline.
Comment: This sequence change replaces glutamic acid with lysine at codon 1822 of the ATM protein (p.Glu1822Lys). The glutamic acid residue is highly conserved and there is a small physicochemical difference between glutamic acid and lysine. In summary, the available evidence is currently insufficient to determine the role of this variant in disease. Therefore, it has been classified as a Variant of Uncertain Significance. Algorithms developed to predict the effect of missense changes on protein structure and function are either unavailable or do not agree on the potential impact of this missense change (SIFT: "Deleterious"; PolyPhen-2: "Benign"; Align-GVGD: "Class C55"). This variant has not been reported in the literature in individuals with ATM-related disease. This variant is not present in population databases (ExAC no frequency).